The following is an entry in ClinVar:

NM_012479.4(YWHAG):c.474C>T (p.His158=)

Gene: YWHAG (tyrosine 3-monooxygenase/tryptophan 5-monooxygenase activation protein gamma; minus strand). Cytogenetic location: 7q11.23.
Variant type: single nucleotide variant.
Coding change: c.474C>T on transcript NM_012479.4 (MANE Select); coding-DNA position 474, C replaced by T.
Protein change: p.His158=; no amino-acid change (histidine 158 retained).
Molecular consequence: synonymous variant.
Genome position (GRCh38, 1-based): chr7:76,329,847, G>A on the plus strand (C>T on the coding strand, the complement: YWHAG is on the minus strand). VCF-style: chr7-76329847-G-A. GRCh37 (hg19) VCF-style: chr7-75959164-G-A.
Identifiers: ClinVar variation 1590099 (VCV001590099.9), dbSNP rs143403499, ClinGen allele CA4306528.
Genomic context (GRCh38, chr7:76,329,847, plus strand): 5'-GTTAAGAGCCAGGCCTAATCGGATGGGGTGGGTGGGCTGCATGTGCTCTTTGCTGATCTC[G>A]TGGGCTTCGCTGTAGGCCTTCTCGGAGGACTCCACCACCGTCGCCCTTTTCTCTCCGGTG-3'
Protein context (NP_036611.2, residues 148-168): ESSEKAYSEA[His158=]EISKEHMQPT

ClinVar aggregate classification (germline): Likely benign. Review status: criteria provided, multiple submitters, no conflicts (2 of 4 stars). 2 submissions from 2 submitters: Likely benign (2). Last evaluated 2026-08-01.

Allele frequency attached by ClinVar (database versions not stated): ExAC 0.00002; gnomAD exomes 0.00004 and 0.00008; gnomAD 0.00005 and 0.00006; TOPMed 0.00005; ESP Exome Variant Server 0.00015.
gnomAD v4.1: 128 of 1,613,900 alleles (0.0079%); highest among the groups gnomAD compares: Non-Finnish European, 0.01%; no homozygotes.

Submissions (2):

CeGaT Center for Human Genetics Tuebingen
Classification: Likely benign. Last evaluated: 2026-08-01. Review status: criteria provided, single submitter. Criteria: CeGaT Center For Human Genetics Tuebingen Variant Classification Criteria Version 2. Collection method: clinical testing. Allele origin: germline. Affected: yes. Observed: 1 variant allele.
Comment: YWHAG: BP4, BP7

Labcorp Genetics (formerly Invitae), Labcorp
Classification: Likely benign. Last evaluated: 2025-02-24. Review status: criteria provided, single submitter. Criteria: Invitae Variant Classification Sherloc (09022015). Collection method: clinical testing. Allele origin: germline.